The following is an entry in ClinVar:

NM_001943.5(DSG2):c.1343A>C (p.Lys448Thr)

Gene: DSG2 (desmoglein 2; plus strand). Cytogenetic location: 18q12.1.
Variant type: single nucleotide variant.
Coding change: c.1343A>C on transcript NM_001943.5 (MANE Select); coding-DNA position 1343, A replaced by C.
Protein change: p.Lys448Thr; replaces lysine 448 with threonine.
Molecular consequence: missense variant.
Genome position (GRCh38, 1-based): chr18:31,535,332, A>C. VCF-style: chr18-31535332-A-C. GRCh37 (hg19) VCF-style: chr18-29115295-A-C.
Other names: short protein forms K448T.
Identifiers: ClinVar variation 3893765 (VCV003893765.1).
Genomic context (GRCh38, chr18:31,535,332, plus strand): 5'-ATGTAAAATTAGAAGATAGAGATAATTGGATCTCTGTGGATTCTGTCACATCTGAAATTA[A>C]ACTTGCAAAACTTCCTGATTTTGAATCTAGATATGTTCAAAATGGCACATACACTGTAAA-3'
Protein context (NP_001934.2, residues 438-458): ISVDSVTSEI[Lys448Thr]LAKLPDFESR

ClinVar aggregate classification (germline): Uncertain significance (1 of 4 stars; one submission).

Conditions:
Cardiomyopathy (CMYO). Also called: Cardiomyopathies. Identifiers: Orphanet 167848, MedGen C0878544, MONDO:0004994, HP:0001638. Inheritance: Various modes of inheritance.

Submission:

Color Diagnostics, LLC DBA Color Health
Classification: Uncertain significance for Cardiomyopathy. Last evaluated: 2024-04-29. Review status: criteria provided, single submitter. Criteria: ACMG Guidelines, 2015. Collection method: clinical testing. Allele origin: germline.
Comment: This missense variant replaces lysine with threonine at codon 448 of the DSG2 protein. Computational prediction suggests that this variant may not impact protein structure and function (internally defined REVEL score threshold <= 0.5, PMID: 27666373). To our knowledge, functional studies have not been reported for this variant. This variant has not been reported in individuals affected with DSG2-related disorders in the literature. This variant has not been identified in the general population by the Genome Aggregation Database (gnomAD). The available evidence is insufficient to determine the role of this variant in disease conclusively. Therefore, this variant is classified as a Variant of Uncertain Significance.